The following is an entry in ClinVar:

ClinVar aggregate classification (germline): Uncertain significance (1 of 4 stars; one submission).

Conditions:
Familial intrahepatic cholestasis. Identifiers: Orphanet 284385, MedGen CN296401, MONDO:0017290.

Submission:

Genomenon, Inc
Classification: Uncertain significance for Familial intrahepatic cholestasis. Last evaluated: 2026-04-14. Review status: criteria provided, single submitter. Criteria: Genomenon Sequence Variant Interpretation Standards - Updated. Collection method: curation. Allele origin: germline. Affected: yes.
Comment: ABCB11 p.Val868Asp (c.2603T>A) is a missense variant that changes the amino acid at residue 868 from Valine to Aspartic acid. This variant has been observed in at least one proband with an ABCB11-related disorder (PMID:27050426). It has been observed in trans with a pathogenic or likely pathogenic variant (PMID:27050426). It is absent or not present at a significant frequency in gnomAD. In silico models predict that this variant is possibly or probably damaging. In conclusion, we classify ABCB11 p.Val868Asp (c.2603T>A) as a variant of uncertain significance.

Literature cited by the submitters: PubMed 27050426.

NM_003742.4(ABCB11):c.2603T>A (p.Val868Asp)

Gene: ABCB11 (ATP binding cassette subfamily B member 11; minus strand). Cytogenetic location: 2q31.1.
Variant type: single nucleotide variant.
Coding change: c.2603T>A on transcript NM_003742.4 (MANE Select); coding-DNA position 2603, T replaced by A.
Protein change: p.Val868Asp; replaces valine 868 with aspartic acid.
Molecular consequence: missense variant.
Genome position (GRCh38, 1-based): chr2:168,944,612, A>T on the plus strand (T>A on the coding strand, the complement: ABCB11 is on the minus strand). VCF-style: chr2-168944612-A-T. GRCh37 (hg19) VCF-style: chr2-169801122-A-T.
Other names: short protein forms V868D.
Identifiers: ClinVar variation 4846214 (VCV004846214.1).